The following is an entry in ClinVar:

NM_001130004.2(ACTN1):c.2140C>G (p.Arg714Gly)

Gene: ACTN1 (actinin alpha 1; minus strand). Cytogenetic location: 14q24.1.
Variant type: single nucleotide variant.
Coding change: c.2140C>G on transcript NM_001130004.2 (MANE Select); coding-DNA position 2140, C replaced by G.
Protein change: p.Arg714Gly; replaces arginine 714 with glycine.
Molecular consequence: missense variant.
Genome position (GRCh38, 1-based): chr14:68,880,102, G>C on the plus strand (C>G on the coding strand, the complement: ACTN1 is on the minus strand). VCF-style: chr14-68880102-G-C. GRCh37 (hg19) VCF-style: chr14-69346819-G-C.
Other names: c.2140C>G, p.Arg714Gly (NM_001102.4, NM_001130005.2); short protein forms R714G.
Identifiers: ClinVar variation 1314568 (VCV001314568.2), dbSNP rs913554480, ClinGen allele CA390181830.

ClinVar aggregate classification (germline): Uncertain significance (1 of 4 stars; one submission).

Submission:

GeneDx
Classification: Uncertain significance. Last evaluated: 2021-04-12. Review status: criteria provided, single submitter. Criteria: GeneDx Variant Classification Process June 2021. Collection method: clinical testing. Allele origin: germline. Affected: yes.
Comment: Not observed in large population cohorts (Lek et al., 2016); In silico analysis supports that this missense variant has a deleterious effect on protein structure/function; Has not been previously published as pathogenic or benign to our knowledge